The following is an entry in ClinVar:

ClinVar aggregate classification (germline): Conflicting classifications of pathogenicity. Review status: criteria provided, conflicting classifications (1 of 4 stars). 7 submissions from 7 submitters: Uncertain significance (6); Likely benign (1). Last evaluated 2025-11-10.

Conditions:
Hereditary nonpolyposis colorectal neoplasms. Identifiers: MedGen C0009405, MeSH D003123.
Lynch syndrome. Identifiers: Orphanet 144, MedGen C4552100, MONDO:0005835. Disease mechanism: loss of function.
Hereditary cancer-predisposing syndrome. Also called: Hereditary neoplastic syndrome; Hereditary Cancer Syndrome; Neoplastic Syndromes, Hereditary; Tumor predisposition. Identifiers: Orphanet 140162, MedGen C0027672, MeSH D009386, MONDO:0015356.

Allele frequency attached by ClinVar (database versions not stated): ExAC 0.00001; TOPMed 0.00001.

Submissions (7):

Labcorp Genetics (formerly Invitae), Labcorp
Classification: Likely benign for Hereditary nonpolyposis colorectal neoplasms. Last evaluated: 2025-11-10. Review status: criteria provided, single submitter. Criteria: Invitae Variant Classification Sherloc (09022015). Collection method: clinical testing. Allele origin: germline.

Molecular Diagnostics Laboratory, Catalan Institute of Oncology
Classification: Uncertain significance for Hereditary cancer-predisposing syndrome. Last evaluated: 2025-07-31. Review status: criteria provided, single submitter. Criteria: ClinGen CRC ACMG Specifications MSH6 V1.0.0. Collection method: clinical testing. Allele origin: germline.
Comment: PM2_Supporting, BP4 c.2195G>A, located in exon 4 of the MSH6 gene, is predicted to result in the substitution of arginine with glutamine at codon 732, p.(Arg732Gln). This variant is found in 10/1614010 alleles at a frequency of 0,0006% in the gnomAD v4.1.0 database (PM2_Supporting). Computational tools for this variant suggest no significant impact on splicing and that it does not affect the protein function (MAPP+PolyPhen-2 prior probability for pathogenicity: 0.005) (BP4). This variant has been identified in a Lynch syndrome-suspected patient and a patient with prostate cancer (PMID: 29458332 and internal data). Furthermore, in a case-control study, it was reported in 2 out of 53461 healthy controls and none of the 60466 breast cancer cases (PMID: 33471991). This variant has been reported in the ClinVar database (4x uncertain significance, 1x likely benign), and it has not been classified in LOVD or by InSiGHT. Based on the currently available information, c.2195G>A is classified as an uncertain significance variant according to ClinGen CRC ACMG Specifications MSH6 v1.0.0.

Ambry Genetics
Classification: Uncertain significance for Hereditary cancer-predisposing syndrome. Last evaluated: 2025-06-22. Review status: criteria provided, single submitter. Criteria: Ambry Variant Classification Scheme 2023. Collection method: clinical testing. Allele origin: germline.
Comment: The p.R732Q variant (also known as c.2195G>A), located in coding exon 4 of the MSH6 gene, results from a G to A substitution at nucleotide position 2195. The arginine at codon 732 is replaced by glutamine, an amino acid with highly similar properties. Using a Bayesian analysis that incorporates tumor mutation data, this variant was classified as an uncertain variant (Shirts BH et al. Am J Hum Genet, 2018 07;103:19-29). This amino acid position is highly conserved in available vertebrate species. In addition, this alteration is predicted to be deleterious by in silico analysis. Since supporting evidence is limited at this time, the clinical significance of this alteration remains unclear.

All of Us Research Program, National Institutes of Health
Classification: Uncertain significance for Lynch syndrome. Last evaluated: 2023-11-20. Review status: criteria provided, single submitter. Criteria: ACMG Guidelines, 2015. Collection method: clinical testing. Allele origin: germline. Inheritance: Autosomal dominant inheritance. Observed: 3 variant alleles, 3 heterozygotes.
Comment: This missense variant replaces arginine with glutamine at codon 732 of the MSH6 protein. Computational prediction is inconclusive regarding the impact of this variant on protein structure and function (internally defined REVEL score threshold 0.5 < inconclusive < 0.7, PMID: 27666373). To our knowledge, functional studies have not been reported for this variant. This variant has been identified in 1/250880 chromosomes in the general population by the Genome Aggregation Database (gnomAD). The available evidence is insufficient to determine the role of this variant in disease conclusively. Therefore, this variant is classified as a Variant of Uncertain Significance.

This study involves interpretation of variants in research participants for the purpose of population health screening. Participant phenotype was not available at the time of variant classification. Additional details can be found in publication PMID: 35346344, PMCID: PMC8962531

Color Diagnostics, LLC DBA Color Health
Classification: Uncertain significance for Hereditary cancer-predisposing syndrome. Last evaluated: 2023-10-25. Review status: criteria provided, single submitter. Criteria: ACMG Guidelines, 2015. Collection method: clinical testing. Allele origin: germline.
Comment: This missense variant replaces arginine with glutamine at codon 732 of the MSH6 protein. Computational prediction is inconclusive regarding the impact of this variant on protein structure and function (internally defined REVEL score threshold 0.5 < inconclusive < 0.7, PMID: 27666373). To our knowledge, functional studies have not been reported for this variant. This variant has been identified in 1/250880 chromosomes in the general population by the Genome Aggregation Database (gnomAD). The available evidence is insufficient to determine the role of this variant in disease conclusively. Therefore, this variant is classified as a Variant of Uncertain Significance.

University of Washington Department of Laboratory Medicine, University of Washington
Classification: Uncertain significance for Lynch syndrome. Last evaluated: 2018-05-01. Review status: criteria provided, single submitter. Criteria: Shirts BH et al. (Am J Hum Genet 2018). Collection method: clinical testing. Allele origin: somatic. Affected: yes.
Comment: MSH6 NM_000179.2:c.2195G>A has a 34.3% probability of pathogenicity based on combining prior probability from public data with a likelihood ratio of 0.16 to 1, generated from evidence of seeing this as a somatic mutation in a tumor with loss of heterozygosity at the MSH6 locus. See Shirts et al 2018, PMID 29887214.

GeneDx
Classification: Uncertain significance. Last evaluated: 2017-05-15. Review status: criteria provided, single submitter. Criteria: GeneDx Variant Classification (06012015). Collection method: clinical testing. Allele origin: germline. Affected: yes.
Comment: This variant is denoted MSH6 c.2195G>A at the cDNA level, p.Arg732Gln (R732Q) at the protein level, and results in the change of an Arginine to a Glutamine (CGA>CAA). This variant has not, to our knowledge, been published in the literature a germline variant; however, it has been reported as a somatic variant in a colorectal tumor (Vasovcak 2012). MSH6 Arg732Gln was not observed at a significant allele frequency in large population cohorts (NHLBI Exome Sequencing Project, The 1000 Genomes Consortium 2015, Lek 2016). Since Arginine and Glutamine differ in some properties, this is considered a semi-conservative amino acid substitution. MSH6 Arg732Gln occurs at a position that is conserved across species and is located in the lever domain (Warren 2007, Kansikas 2011). In silico analyses are inconsistent regarding the effect this variant may have on protein structure and function. Based on currently available evidence, it is unclear whether MSH6 Arg732Gln is a pathogenic or benign variant. We consider it to be a variant of uncertain significance.

Literature cited by the submitters: PubMed 29887214 (cited by Ambry Genetics); PubMed 29458332 (cited by All of Us Research Program, National Institutes of Health and Color Diagnostics, LLC DBA Color Health).

NM_000179.3(MSH6):c.2195G>A (p.Arg732Gln)

Gene: MSH6 (mutS homolog 6; plus strand). Cytogenetic location: 2p16.3.
Variant type: single nucleotide variant.
Coding change: c.2195G>A on transcript NM_000179.3 (MANE Select); coding-DNA position 2195, G replaced by A.
Protein change: p.Arg732Gln; replaces arginine 732 with glutamine.
Molecular consequence: missense variant.
Genome position (GRCh38, 1-based): chr2:47,800,178, G>A. VCF-style: chr2-47800178-G-A. GRCh37 (hg19) VCF-style: chr2-48027317-G-A.
Other names: c.1805G>A, p.Arg602Gln (NM_001281492.2); c.1289G>A, p.Arg430Gln (NM_001281493.2, NM_001281494.2); short protein forms R732Q, R602Q, R430Q.
Identifiers: ClinVar variation 234747 (VCV000234747.26), dbSNP rs749746725, ClinGen allele CA068599.